The following is an entry in ClinVar:

ClinVar aggregate classification (germline): Uncertain significance. Review status: criteria provided, multiple submitters, no conflicts (2 of 4 stars). 2 submissions from 2 submitters: Uncertain significance (2). Last evaluated 2025-03-05.

Conditions:
Acyl-CoA oxidase deficiency. Also called: Peroxisomal acyl-CoA oxidase deficiency; STRAIGHT-CHAIN ACYL-CoA OXIDASE DEFICIENCY; Pseudoneonatal adrenoleukodystrophy. Identifiers: Orphanet 2971, MedGen C1849678, MONDO:0009919, OMIM 264470. Disease mechanism: loss of function.

Allele frequency attached by ClinVar (database versions not stated): gnomAD 0.00008.
gnomAD v4.1: 28 of 1,614,078 alleles (0.0017%); highest among the groups gnomAD compares: African/African-American, 0.037%; no homozygotes.

Submissions (2):

Labcorp Genetics (formerly Invitae), Labcorp
Classification: Uncertain significance for Acyl-CoA oxidase deficiency. Last evaluated: 2025-03-05. Review status: criteria provided, single submitter. Criteria: Invitae Variant Classification Sherloc (09022015). Collection method: clinical testing. Allele origin: germline.
Comment: This sequence change replaces alanine, which is neutral and non-polar, with serine, which is neutral and polar, at codon 571 of the ACOX1 protein (p.Ala571Ser). This variant is present in population databases (rs748619167, gnomAD 0.03%). This variant has not been reported in the literature in individuals affected with ACOX1-related conditions. ClinVar contains an entry for this variant (Variation ID: 1712068). Invitae Evidence Modeling of protein sequence and biophysical properties (such as structural, functional, and spatial information, amino acid conservation, physicochemical variation, residue mobility, and thermodynamic stability) indicates that this missense variant is not expected to disrupt ACOX1 protein function with a negative predictive value of 80%. In summary, the available evidence is currently insufficient to determine the role of this variant in disease. Therefore, it has been classified as a Variant of Uncertain Significance.

GeneDx
Classification: Uncertain significance. Last evaluated: 2022-04-21. Review status: criteria provided, single submitter. Criteria: GeneDx Variant Classification Process June 2021. Collection method: clinical testing. Allele origin: germline. Affected: yes.
Comment: In silico analysis supports that this missense variant does not alter protein structure/function; Has not been previously published as pathogenic or benign to our knowledge

NM_004035.7(ACOX1):c.1711G>T (p.Ala571Ser)

Gene: ACOX1 (acyl-CoA oxidase 1; minus strand). Cytogenetic location: 17q25.1.
Variant type: single nucleotide variant.
Coding change: c.1711G>T on transcript NM_004035.7 (MANE Select); coding-DNA position 1711, G replaced by T.
Protein change: p.Ala571Ser; replaces alanine 571 with serine.
Molecular consequence: missense variant.
Genome position (GRCh38, 1-based): chr17:75,949,234, C>A on the plus strand (G>T on the coding strand, the complement: ACOX1 is on the minus strand). VCF-style: chr17-75949234-C-A. GRCh37 (hg19) VCF-style: chr17-73945315-C-A.
Other names: c.1597G>T, p.Ala533Ser (NM_001185039.2); c.1711G>T, p.Ala571Ser (NM_007292.6); short protein forms A533S, A571S.
Identifiers: ClinVar variation 1712068 (VCV001712068.6), dbSNP rs748619167, ClinGen allele CA8776690.
Genomic context (GRCh38, chr17:75,949,234, plus strand): 5'-TTAAAACAACAACAAAAAAGACTTATACTTAGAAAATACTGACCTGAAGGAAATCCCCCG[C>A]GTTCTGACTGATTCCATACAGAGAATACAGCAGACATAAACTCCTTAAGACAGCTTGAAT-3'
Protein context (NP_004026.2, residues 561-581): LYSLYGISQN[Ala571Ser]GDFLQGSIMT